The following is an entry in ClinVar:

NM_016148.5(SHANK1):c.5129G>C (p.Gly1710Ala)

Gene: SHANK1 (SH3 and multiple ankyrin repeat domains 1; minus strand). Cytogenetic location: 19q13.33.
Variant type: single nucleotide variant.
Coding change: c.5129G>C on transcript NM_016148.5 (MANE Select); coding-DNA position 5129, G replaced by C.
Protein change: p.Gly1710Ala; replaces glycine 1710 with alanine.
Molecular consequence: missense variant.
Genome position (GRCh38, 1-based): chr19:50,666,831, C>G on the plus strand (G>C on the coding strand, the complement: SHANK1 is on the minus strand). VCF-style: chr19-50666831-C-G. GRCh37 (hg19) VCF-style: chr19-51170088-C-G.
Other names: short protein forms G1710A.
Identifiers: ClinVar variation 5020269 (VCV005020269.1).

ClinVar aggregate classification (germline): Uncertain significance (1 of 4 stars; one submission).

Submission:

Dasa
Classification: Uncertain significance. Last evaluated: 2026-07-03. Review status: criteria provided, single submitter. Criteria: DASA Assertion Criteria. Collection method: clinical testing. Allele origin: germline.
Comment: NM_016148.5(SHANK1):c.5129G>C (p.Gly1710Ala) is a missense variant that results in the substitution of glycine with alanine. This variant is rare in population databases. Computational prediction algorithms are consistent with a benign effect. The currently available literature and clinical evidence are not sufficient to establish a definitive association between this variant and the reported condition. Therefore, this variant is classified as a variant of uncertain significance.